The following is an entry in ClinVar:

NM_002335.4(LRP5):c.4429_4431del (p.His1477del)

Gene: LRP5 (LDL receptor related protein 5; plus strand). Cytogenetic location: 11q13.2.
Variant type: Deletion.
Coding change: c.4429_4431del on transcript NM_002335.4 (MANE Select); coding-DNA positions 4429 to 4431, 3 bases deleted (CAC; older notation c.4429_4431delCAC).
Protein change: p.His1477del; deletes histidine 1477.
Molecular consequence: inframe deletion.
Genome position (GRCh38, 1-based): chr11:68,439,857-68,439,859, CAC deleted; deleting any 3 consecutive bases within chr11:68,439,855-68,439,859 gives the same sequence; the c. name uses the placement nearest the transcript's 3' end. VCF-style (leftmost placement, unchanged base first): chr11-68439854-AACC-A. GRCh37 (hg19) VCF-style: chr11-68207322-AACC-A.
Other names: c.2686_2688del, p.His896del (NM_001291902.2); short protein forms H1477del, H896del.
Identifiers: ClinVar variation 2121149 (VCV002121149.4), dbSNP rs2496908475, ClinGen allele CA2580084722.

ClinVar aggregate classification (germline): Uncertain significance (1 of 4 stars; one submission).

Submission:

Labcorp Genetics (formerly Invitae), Labcorp
Classification: Uncertain significance. Last evaluated: 2022-10-13. Review status: criteria provided, single submitter. Criteria: Invitae Variant Classification Sherloc (09022015). Collection method: clinical testing. Allele origin: germline.
Comment: This variant has not been reported in the literature in individuals affected with LRP5-related conditions. This variant is not present in population databases (gnomAD no frequency). This variant, c.4429_4431del, results in the deletion of 1 amino acid(s) of the LRP5 protein (p.His1477del), but otherwise preserves the integrity of the reading frame. Experimental studies and prediction algorithms are not available or were not evaluated, and the functional significance of this variant is currently unknown. In summary, the available evidence is currently insufficient to determine the role of this variant in disease. Therefore, it has been classified as a Variant of Uncertain Significance.